The following is an entry in ClinVar:

NM_003383.5(VLDLR):c.2290dup (p.Thr764fs)

Gene: VLDLR (very low density lipoprotein receptor; plus strand). Cytogenetic location: 9p24.2.
Variant type: Duplication.
Coding change: c.2290dup on transcript NM_003383.5 (MANE Select); coding-DNA position 2290, one base duplicated (A; older notation c.2290dupA).
Protein change: p.Thr764fs; shifts the reading frame from threonine 764.
Molecular consequence: frameshift variant. On other transcripts: intron variant (2).
Genome position (GRCh38, 1-based): chr9:2,651,453, A duplicated. VCF-style (leftmost placement, unchanged base first): chr9-2651452-T-TA. GRCh37 (hg19) VCF-style: chr9-2651452-T-TA.
Other names: c.2167dup, p.Thr723fs (NM_001322225.2); c.2252-421dup (NM_001018056.3); c.2129-421dup (NM_001322226.2); short protein forms T723fs, T764fs.
Identifiers: ClinVar variation 5007435 (VCV005007435.2).

ClinVar aggregate classification (germline): Likely pathogenic (1 of 4 stars; one submission).

Conditions:
Cerebellar ataxia, impaired intellectual development, and dysequilibrium syndrome 1. Also called: CEREBELLAR ATAXIA AND MENTAL RETARDATION WITH OR WITHOUT QUADRUPEDAL LOCOMOTION 1; CEREBELLAR ATAXIA, CONGENITAL, AND MENTAL RETARDATION, AUTOSOMAL RECESSIVE; Cerebellar ataxia, mental retardation, and dysequilibrium syndrome 1; VLDLR Cerebellar Hypoplasia; Cerebellar ataxia, intellectual disability, and dysequilibrium syndrome 1; Cerebellar hypoplasia and mental retardation with or without quadrupedal locomotion 1. Identifiers: Orphanet 1766, MedGen C4551552, MONDO:0024542, OMIM 224050.

Submission:

Juno Genomics, Hangzhou Juno Genomics, Inc
Classification: Likely pathogenic for Cerebellar ataxia, impaired intellectual development, and dysequilibrium syndrome 1. Review status: criteria provided, single submitter. Criteria: ACMG Guidelines, 2015. Collection method: clinical testing. Allele origin: germline.
Comment: Null variant in a gene where loss of function (LOF) is a known mechanism of disease.;Absent from controls (or at extremely low frequency if recessive) in Genome Aggregation Database.